The following is an entry in ClinVar:

ClinVar aggregate classification (germline): Likely pathogenic (1 of 4 stars; one submission).

Conditions:
Developmental and epileptic encephalopathy, 8 (DEE8). Also called: HYPEREKPLEXIA AND EPILEPSY. Identifiers: Orphanet 163985, Orphanet 2076, MedGen C1845102, MONDO:0010375, OMIM 300607.

Submission:

Labcorp Genetics (formerly Invitae), Labcorp
Classification: Likely pathogenic for Developmental and epileptic encephalopathy, 8. Last evaluated: 2020-09-03. Review status: criteria provided, single submitter. Criteria: Invitae Variant Classification Sherloc (09022015). Collection method: clinical testing. Allele origin: germline.
Comment: This variant is a gross deletion of the genomic region encompassing exon(s) 2-8 of the ARHGEF9 gene. While this deletion is not anticipated to result in nonsense mediated decay, it is expected to create a truncated protein product. This variant has been observed in individual(s) with clinical features of ARHGEF9-related conditions (Invitae). This variant disrupts the p.Arg338 amino acid residue in ARHGEF9. Other variant(s) that disrupt this residue have been determined to be pathogenic (PMID: 26834553, Invitae). This suggests that this residue is clinically significant, and that variants that disrupt this residue are likely to be disease-causing. In summary, the currently available evidence indicates that the variant is pathogenic, but additional data are needed to prove that conclusively. Therefore, this variant has been classified as Likely Pathogenic.

Literature cited by the submitters: PubMed 26834553.

NC_000023.10:g.(?_62875364)_(62944601_?)del

Gene: ARHGEF9 (Cdc42 guanine nucleotide exchange factor 9; minus strand). Cytogenetic location: Xq11.1.
Variant type: Deletion.
Identifiers: ClinVar variation 1068454 (VCV001068454.9).